The following is an entry in ClinVar:

NM_001378454.1(ALMS1):c.11485A>G (p.Lys3829Glu)

Gene: ALMS1 (ALMS1 centrosome and basal body associated protein; plus strand). Cytogenetic location: 2p13.1.
Variant type: single nucleotide variant.
Coding change: c.11485A>G on transcript NM_001378454.1 (MANE Select); coding-DNA position 11485, A replaced by G.
Protein change: p.Lys3829Glu; replaces lysine 3829 with glutamic acid.
Molecular consequence: missense variant.
Genome position (GRCh38, 1-based): chr2:73,573,362, A>G. VCF-style: chr2-73573362-A-G. GRCh37 (hg19) VCF-style: chr2-73800489-A-G.
Other names: c.11488A>G, p.Lys3830Glu (NM_015120.4); short protein forms K3830E, K3829E.
Identifiers: ClinVar variation 5009985 (VCV005009985.1).
Genomic context (GRCh38, chr2:73,573,362, plus strand): 5'-TATAGCAGCATCACCAACCAACAGAGGAGATACCTTGAGAAGCGGAGCAAACACAGCAAG[A>G]AAGTGCTGAATACAGGTCATCCCCTAGTGACTTCTGAGCACACCAGAAGGAGACACATCC-3'
Protein context (NP_001365383.1, residues 3819-3839): YLEKRSKHSK[Lys3829Glu]VLNTGHPLVT

ClinVar aggregate classification (germline): Uncertain significance (1 of 4 stars; one submission).

gnomAD v4.1: 4 of 1,614,124 alleles (0.00025%); highest among the groups gnomAD compares: South Asian, 0.0011%; no homozygotes.

Submission:

GeneDx
Classification: Uncertain significance. Last evaluated: 2026-02-25. Review status: criteria provided, single submitter. Criteria: GeneDx Variant Classification Process June 2021. Collection method: clinical testing. Allele origin: germline.
Comment: Not observed at significant frequency in large population cohorts (gnomAD); In silico analysis supports that this missense variant has a deleterious effect on protein structure/function; Has not been previously published as pathogenic or benign to our knowledge